The following is an entry in ClinVar:

ClinVar aggregate classification (germline): Benign. Review status: criteria provided, multiple submitters, no conflicts (2 of 4 stars). 2 submissions from 2 submitters: Benign (2). Last evaluated 2018-01-12.

Conditions:
Mucopolysaccharidosis type 6 (MPS6). Also called: ARSB DEFICIENCY; ARYLSULFATASE B DEFICIENCY; MPS VI; N-ACETYLGALACTOSAMINE-4-SULFATASE DEFICIENCY; MPS 6; Maroteaux Lamy syndrome. Identifiers: Orphanet 583, MedGen C0026709, MONDO:0009661, OMIM 253200.

Allele frequency attached by ClinVar (database versions not stated): 1000 Genomes Project 0.17133; 1000 Genomes Project 30x 0.17520; TOPMed 0.26323; gnomAD 0.27827 and 0.28549.

Submissions (2):

Illumina Laboratory Services, Illumina
Classification: Benign for Mucopolysaccharidosis type 6. Last evaluated: 2018-01-12. Review status: criteria provided, single submitter. Criteria: ICSL Variant Classification Criteria 13 December 2019. Collection method: clinical testing. Allele origin: germline.
Comment: This variant was observed in the ICSL laboratory as part of a predisposition screen in an ostensibly healthy population. It had not been previously curated by ICSL or reported in the Human Gene Mutation Database (HGMD: prior to June 1st, 2018), and was therefore a candidate for classification through an automated scoring system. Utilizing variant allele frequency, disease prevalence and penetrance estimates, and inheritance mode, an automated score was calculated to assess if this variant is too frequent to cause the disease. Based on the score and internal cut-off values, a variant classified as benign is not then subjected to further curation. The score for this variant resulted in a classification of benign for this disease.

Breakthrough Genomics
Classification: Benign. Review status: criteria provided, single submitter. Criteria: ACMG Guidelines, 2015. Collection method: not provided. Allele origin: germline. Inheritance: Autosomal recessive inheritance. Affected: yes.

NM_000046.5(ARSB):c.*1257A>C

Gene: ARSB (arylsulfatase B; minus strand). Cytogenetic location: 5q14.1.
Variant type: single nucleotide variant.
Coding change: c.*1257A>C on transcript NM_000046.5 (MANE Select); 1257 bases downstream of the stop codon, A replaced by C.
Molecular consequence: 3 prime UTR variant.
Genome position (GRCh38, 1-based): chr5:78,779,140, T>G on the plus strand (A>C on the coding strand, the complement: ARSB is on the minus strand). VCF-style: chr5-78779140-T-G. GRCh37 (hg19) VCF-style: chr5-78074963-T-G.
Identifiers: ClinVar variation 354290 (VCV000354290.6), dbSNP rs754567, ClinGen allele CA10622271.